The following is an entry in ClinVar:

NM_007254.4(PNKP):c.1510C>G (p.Arg504Gly)

Gene: PNKP (polynucleotide kinase 3'-phosphatase; minus strand). Cytogenetic location: 19q13.33.
Variant type: single nucleotide variant.
Coding change: c.1510C>G on transcript NM_007254.4 (MANE Select); coding-DNA position 1510, C replaced by G.
Protein change: p.Arg504Gly; replaces arginine 504 with glycine.
Molecular consequence: missense variant.
Genome position (GRCh38, 1-based): chr19:49,861,304, G>C on the plus strand (C>G on the coding strand, the complement: PNKP is on the minus strand). VCF-style: chr19-49861304-G-C. GRCh37 (hg19) VCF-style: chr19-50364561-G-C.
Other names: p.R504G:CGG>GGG; short protein forms R504G.
Identifiers: ClinVar variation 206419 (VCV000206419.16), dbSNP rs148669160, ClinGen allele CA316515.

ClinVar aggregate classification (germline): Uncertain significance. Review status: criteria provided, multiple submitters, no conflicts (2 of 4 stars). 5 submissions from 5 submitters: Uncertain significance (5). Last evaluated 2025-06-11.

Conditions:
Developmental and epileptic encephalopathy, 12 (DEE12). Identifiers: MedGen C3150988, MONDO:0013389, OMIM 613722.
Microcephaly, seizures, and developmental delay. Identifiers: Orphanet 1934, MedGen C3150667, MONDO:0013254, OMIM 613402.
Inborn genetic diseases. Identifiers: MedGen C0950123, MeSH D030342.

Allele frequency attached by ClinVar (database versions not stated): TOPMed 0.00005; ESP Exome Variant Server 0.00023.
gnomAD v4.1: 100 of 1,613,612 alleles (0.0062%); highest among the groups gnomAD compares: Non-Finnish European, 0.0082%; no homozygotes.

Submissions (5):

GeneDx
Classification: Uncertain significance. Last evaluated: 2025-06-11. Review status: criteria provided, single submitter. Criteria: GeneDx Variant Classification Process June 2021. Collection method: clinical testing. Allele origin: germline. Affected: yes.
Comment: Not observed at significant frequency in large population cohorts (gnomAD); In silico analysis suggests that this missense variant does not alter protein structure/function; Has not been previously published as pathogenic or benign to our knowledge; This variant is associated with the following publications: (PMID: 22508754)

Women's Health and Genetics/Laboratory Corporation of America, LabCorp
Classification: Uncertain significance. Last evaluated: 2025-05-06. Review status: criteria provided, single submitter. Criteria: LabCorp Variant Classification Summary - May 2015. Collection method: clinical testing. Allele origin: germline.
Comment: Variant summary: PNKP c.1510C>G (p.Arg504Gly) results in a non-conservative amino acid change in the encoded protein sequence. Algorithms developed to predict the effect of missense changes on protein structure and function are either unavailable or do not agree on the potential impact of this missense change. The variant allele was found at a frequency of 1.6e-05 in 251300 control chromosomes. The available data on variant occurrences in the general population are insufficient to allow any conclusion about variant significance. To our knowledge, no occurrence of c.1510C>G in individuals affected with Ataxia - oculomotor apraxia type 4 and no experimental evidence demonstrating its impact on protein function have been reported. ClinVar contains an entry for this variant (Variation ID: 206419). Based on the evidence outlined above, the variant was classified as uncertain significance.

Labcorp Genetics (formerly Invitae), Labcorp
Classification: Uncertain significance for Developmental and epileptic encephalopathy, 12. Last evaluated: 2022-07-12. Review status: criteria provided, single submitter. Criteria: Invitae Variant Classification Sherloc (09022015). Collection method: clinical testing. Allele origin: germline.
Comment: This sequence change replaces arginine, which is basic and polar, with glycine, which is neutral and non-polar, at codon 504 of the PNKP protein (p.Arg504Gly). This variant is present in population databases (rs148669160, gnomAD 0.004%). This variant has not been reported in the literature in individuals affected with PNKP-related conditions. ClinVar contains an entry for this variant (Variation ID: 206419). Algorithms developed to predict the effect of missense changes on protein structure and function are either unavailable or do not agree on the potential impact of this missense change (SIFT: "Deleterious"; PolyPhen-2: "Benign"; Align-GVGD: "Class C0"). In summary, the available evidence is currently insufficient to determine the role of this variant in disease. Therefore, it has been classified as a Variant of Uncertain Significance.

Ambry Genetics
Classification: Uncertain significance for Inborn genetic diseases. Last evaluated: 2021-01-13. Review status: criteria provided, single submitter. Criteria: Ambry Variant Classification Scheme 2023. Collection method: clinical testing. Allele origin: germline.

Illumina Laboratory Services, Illumina
Classification: Uncertain significance for Microcephaly, seizures, and developmental delay. Last evaluated: 2017-04-28. Review status: criteria provided, single submitter. Criteria: ICSL Variant Classification Criteria 13 December 2019. Collection method: clinical testing. Allele origin: germline.